The following is an entry in ClinVar:

ClinVar aggregate classification (germline): Pathogenic (1 of 4 stars; one submission).

Conditions:
Ornithine aminotransferase deficiency (GACR). Also called: HYPERORNITHINEMIA WITH GYRATE ATROPHY OF CHOROID AND RETINA; OAT DEFICIENCY; OKT DEFICIENCY; Ornithine ketoacid aminotransferase deficiency; Gyrate atrophy; Gyrate atrophy of choroid and retina. Identifiers: Orphanet 414, MedGen C0018425, MONDO:0009796, OMIM 258870.

Submission:

Myriad Genetics, Inc.
Classification: Pathogenic for Ornithine aminotransferase deficiency. Last evaluated: 2024-05-14. Review status: criteria provided, single submitter. Criteria: Myriad Autosomal Dominant, Autosomal Recessive and X-Linked Classification Criteria (2023). Collection method: clinical testing. Allele origin: unknown.
Comment: NM_000274.3(OAT):c.825G>A(W275*) is expected to be pathogenic in the context of ornithine aminotransferase deficiency. This variant is predicted to lead to an abnormal or absent protein product due to the creation of a premature termination codon in OAT, a gene where loss-of-function variants are known to be pathogenic. Please note: this variant was assessed in the context of healthy population screening.

NM_000274.4(OAT):c.825G>A (p.Trp275Ter)

Gene: OAT (ornithine aminotransferase; minus strand). Cytogenetic location: 10q26.13.
Variant type: single nucleotide variant.
Coding change: c.825G>A on transcript NM_000274.4 (MANE Select); coding-DNA position 825, G replaced by A.
Protein change: p.Trp275Ter; replaces tryptophan 275 with a stop codon.
Molecular consequence: nonsense.
Genome position (GRCh38, 1-based): chr10:124,403,002, C>T on the plus strand (G>A on the coding strand, the complement: OAT is on the minus strand). VCF-style: chr10-124403002-C-T. GRCh37 (hg19) VCF-style: chr10-126091571-C-T.
Other names: c.411G>A, p.Trp137Ter (NM_001171814.2); c.825G>A, p.Trp275Ter (NM_001322965.2, NM_001322966.2, NM_001322967.2 and 3 more transcripts); c.504G>A, p.Trp168Ter (NM_001322971.2); c.225G>A, p.Trp75Ter (NM_001322974.2); short protein forms W137*, W168*, W275*, W75*.
Identifiers: ClinVar variation 5011092 (VCV005011092.1).